The following is an entry in ClinVar:

ClinVar aggregate classification (germline): Uncertain significance. Review status: criteria provided, multiple submitters, no conflicts (2 of 4 stars). 2 submissions from 2 submitters: Uncertain significance (2). Last evaluated 2024-01-01.

Conditions:
Glomerulopathy with fibronectin deposits 2 (GFND2). Identifiers: Orphanet 84090, MedGen C1866075, MONDO:0011165, OMIM 601894.
FN1-related disorder. Also called: FN1-related condition.

Submissions (2):

Daryl Scott Lab, Baylor College of Medicine
Classification: Uncertain significance for FN1-related disorder. Last evaluated: 2024-01-01. Review status: criteria provided, single submitter. Criteria: ACMG Guidelines, 2015. Collection method: clinical testing. Allele origin: paternal. Observed: 1 heterozygote.
Comment: PM2, PP3

Baylor Genetics
Classification: Uncertain significance for Glomerulopathy with fibronectin deposits 2. Last evaluated: 2018-05-02. Review status: criteria provided, single submitter. Criteria: ACMG Guidelines, 2015. Collection method: clinical testing. Allele origin: paternal. Affected: yes.
Comment: This variant was determined to be of uncertain significance according to ACMG Guidelines, 2015 [PMID:25741868].

NM_212482.4(FN1):c.3634C>G (p.Pro1212Ala)

Gene: FN1 (fibronectin 1; minus strand). Cytogenetic location: 2q35.
Variant type: single nucleotide variant.
Coding change: c.3634C>G on transcript NM_212482.4 (MANE Select); coding-DNA position 3634, C replaced by G.
Protein change: p.Pro1212Ala; replaces proline 1212 with alanine.
Molecular consequence: missense variant.
Genome position (GRCh38, 1-based): chr2:215,394,690, G>C on the plus strand (C>G on the coding strand, the complement: FN1 is on the minus strand). VCF-style: chr2-215394690-G-C. GRCh37 (hg19) VCF-style: chr2-216259413-G-C.
Other names: c.3634C>G, p.Pro1212Ala (NM_001306129.2, NM_001306130.2, NM_001306131.2 and 13 more transcripts); short protein forms P1212A.
Identifiers: ClinVar variation 1033704 (VCV001033704.2), dbSNP rs780092743, ClinGen allele CA350486583.